The following is an entry in ClinVar:

NM_000427.3(LORICRIN):c.684dup (p.Ser229fs)

Gene: LORICRIN (loricrin cornified envelope precursor protein; plus strand). Cytogenetic location: 1q21.3.
Variant type: Duplication.
Coding change: c.684dup on transcript NM_000427.3 (MANE Select); coding-DNA position 684, one base duplicated (G; older notation c.684dupG).
Protein change: p.Ser229fs; shifts the reading frame from serine 229.
Molecular consequence: frameshift variant.
Genome position (GRCh38, 1-based): chr1:153,261,633, G duplicated; the last of 6 consecutive G bases (chr1:153,261,628-153,261,633); duplicating any one gives the same sequence. VCF-style (leftmost placement, unchanged base first): chr1-153261627-A-AG. GRCh37 (hg19) VCF-style: chr1-153234103-A-AG.
Other names: c.684dupG (NM_000427.2); short protein forms S229fs.
Identifiers: ClinVar variation 279841 (VCV000279841.48), dbSNP rs886041212, ClinGen allele CA10602758.

ClinVar aggregate classification (germline): Pathogenic. Review status: criteria provided, multiple submitters, no conflicts (2 of 4 stars). 6 submissions from 6 submitters: Pathogenic (5). 1 of the submissions does not count toward it. Last evaluated 2025-12-24.

Conditions:
LOR-related disorders.
Loricrin keratoderma. Also called: Vohwinkel syndrome with ichthyosis. Identifiers: Orphanet 79395, MedGen C1858805, MONDO:0011396, OMIM 604117.

Submissions (6):

Labcorp Genetics (formerly Invitae), Labcorp
Classification: Pathogenic. Last evaluated: 2025-12-24. Review status: criteria provided, single submitter. Criteria: Invitae Variant Classification Sherloc (09022015). Collection method: clinical testing. Allele origin: germline.
Comment: This sequence change is expected to alter the c-terminus of the LOR protein (p.Ser229Valfs*107). While this is not anticipated to result in nonsense mediated decay, it is expected to disrupt the last 84 amino acid(s) of the LOR protein and extend the protein by 22 additional amino acid residues. This variant is not present in population databases (gnomAD no frequency). This frameshift has been observed in individuals with Vohwinkel syndrome with ichthyosis (PMID: 8673107, 22831754, 32833329). It has also been observed to segregate with disease in related individuals. This variant is also known as 730insG. ClinVar contains an entry for this variant (Variation ID: 279841). This variant results in an extension of the LOR protein. Other variant(s) that result in a similarly extended protein product (p.Ser270Leufs*66) have been determined to be pathogenic (PMID: 25965869). This suggests that these extensions are likely to be disease-causing. For these reasons, this variant has been classified as Pathogenic.

Blueprint Genetics
Classification: Pathogenic for LOR-related disorders. Last evaluated: 2023-07-05. Review status: criteria provided, single submitter. Criteria: ACMG Guidelines, 2015. Collection method: clinical testing. Allele origin: germline. Affected: yes. Observed: 1 variant allele.

Revvity Omics, Revvity
Classification: Pathogenic for Loricrin keratoderma. Last evaluated: 2022-09-20. Review status: criteria provided, single submitter. Criteria: ACMG Guidelines, 2015. Collection method: clinical testing. Allele origin: germline.

GeneDx
Classification: Pathogenic. Last evaluated: 2021-01-14. Review status: criteria provided, single submitter. Criteria: GeneDx Variant Classification Process June 2021. Collection method: clinical testing. Allele origin: germline. Affected: yes.
Comment: Frameshift variant predicted to result in protein extension, as the last 84 amino acids are replaced with 106 different amino acids, and other frameshift variants leading to a similar elongated protein have been reported in the Human Gene Mutation Database (Stenson et al. 2014); Published functional studies demonstrate that this variant form of loricrin causes the activation of various growth factor receptors and increased Akt kinase activity, resulting in the rapid keratinocyte proliferation observed in loricrin keratoderma (Yoneda et al., 2010); Not observed in large population cohorts (Lek et al., 2016); Sometimes reported using alternate nomenclature of c.730insG; This variant is associated with the following publications: (PMID: 11703298, 20635335, 31846220, 9326398, 16403113, 20236940, 8673107, 17953701, 22831754, 31595526, 32833329)

CeGaT Center for Human Genetics Tuebingen
Classification: Pathogenic. Last evaluated: 2020-08-01. Review status: criteria provided, single submitter. Criteria: CeGaT Center For Human Genetics Tuebingen Variant Classification Criteria Version 2. Collection method: clinical testing. Allele origin: germline. Affected: yes. Observed: 1 variant allele.

OMIM
Classification: Pathogenic for VOHWINKEL SYNDROME WITH ICHTHYOSIS. Last evaluated: 2001-10-01. Review status: no assertion criteria provided. Collection method: literature only. Allele origin: germline. Not counted in ClinVar's aggregate classification.

Literature cited by the submitters: PubMed 8673107 (cited by Labcorp Genetics (formerly Invitae), Labcorp and OMIM); PubMed 22831754 (cited by Labcorp Genetics (formerly Invitae), Labcorp); PubMed 32833329 (cited by Labcorp Genetics (formerly Invitae), Labcorp); PubMed 25965869 (cited by Labcorp Genetics (formerly Invitae), Labcorp); PubMed 9326398 (cited by OMIM); PubMed 11703298 (cited by OMIM).